The following is an entry in ClinVar:

ClinVar aggregate classification (germline): Uncertain significance (1 of 4 stars; one submission).

Conditions:
ASH1L-related disorder. Also called: ASH1L-related condition.

Submission:

PreventionGenetics, part of Exact Sciences
Classification: Uncertain significance for ASH1L-related condition. Last evaluated: 2025-11-07. Review status: criteria provided, single submitter. Criteria: ACMG Guidelines, 2015. Collection method: clinical testing. Allele origin: germline.
Comment: The ASH1L c.3913C>G variant is predicted to result in the amino acid substitution p.His1305Asp. To our knowledge, this variant has not been reported in the literature or in a large population database (gnomAD), indicating this variant is rare. At this time, the clinical significance of this variant is uncertain due to the absence of conclusive functional and genetic evidence.

NM_018489.3(ASH1L):c.3913C>G (p.His1305Asp)

Gene: ASH1L (ASH1 like histone lysine methyltransferase; minus strand). Cytogenetic location: 1q22.
Variant type: single nucleotide variant.
Coding change: c.3913C>G on transcript NM_018489.3 (MANE Select); coding-DNA position 3913, C replaced by G.
Protein change: p.His1305Asp; replaces histidine 1305 with aspartic acid.
Molecular consequence: missense variant.
Genome position (GRCh38, 1-based): chr1:155,478,957, G>C on the plus strand (C>G on the coding strand, the complement: ASH1L is on the minus strand). VCF-style: chr1-155478957-G-C. GRCh37 (hg19) VCF-style: chr1-155448748-G-C.
Other names: c.3913C>G, p.His1305Asp (NM_001366177.2); short protein forms H1305D.
Identifiers: ClinVar variation 4996355 (VCV004996355.1).